The following is an entry in ClinVar:

ClinVar aggregate classification (germline): Uncertain significance (1 of 4 stars; one submission).

Allele frequency attached by ClinVar (database versions not stated): gnomAD 0.00001; gnomAD exomes 0.00002; ExAC 0.00004.
gnomAD v4.1: 23 of 1,608,256 alleles (0.0014%); highest among the groups gnomAD compares: South Asian, 0.025%; no homozygotes.

Submission:

Labcorp Genetics (formerly Invitae), Labcorp
Classification: Uncertain significance. Last evaluated: 2023-12-14. Review status: criteria provided, single submitter. Criteria: Invitae Variant Classification Sherloc (09022015). Collection method: clinical testing. Allele origin: germline.
Comment: This sequence change replaces glycine, which is neutral and non-polar, with glutamic acid, which is acidic and polar, at codon 882 of the A2ML1 protein (p.Gly882Glu). This variant is present in population databases (rs775056296, gnomAD 0.02%). This variant has not been reported in the literature in individuals affected with A2ML1-related conditions. ClinVar contains an entry for this variant (Variation ID: 2416811). An algorithm developed to predict the effect of missense changes on protein structure and function (PolyPhen-2) suggests that this variant is likely to be tolerated. In summary, the available evidence is currently insufficient to determine the role of this variant in disease. Therefore, it has been classified as a Variant of Uncertain Significance.

NM_144670.6(A2ML1):c.2645G>A (p.Gly882Glu)

Gene: A2ML1 (alpha-2-macroglobulin like 1; plus strand). Cytogenetic location: 12p13.31.
Variant type: single nucleotide variant.
Coding change: c.2645G>A on transcript NM_144670.6 (MANE Select); coding-DNA position 2645, G replaced by A.
Protein change: p.Gly882Glu; replaces glycine 882 with glutamic acid.
Molecular consequence: missense variant.
Genome position (GRCh38, 1-based): chr12:8,854,182, G>A. VCF-style: chr12-8854182-G-A. GRCh37 (hg19) VCF-style: chr12-9006778-G-A.
Other names: c.1172G>A, p.Gly391Glu (NM_001282424.3); short protein forms G391E, G882E.
Identifiers: ClinVar variation 2416811 (VCV002416811.6), dbSNP rs775056296, ClinGen allele CA6436082.